The following is an entry in ClinVar:

NM_000038.6(APC):c.2587T>A (p.Tyr863Asn)

Gene: APC (APC regulator of Wnt signaling pathway; plus strand). Cytogenetic location: 5q22.2.
Variant type: single nucleotide variant.
Coding change: c.2587T>A on transcript NM_000038.6 (MANE Select); coding-DNA position 2587, T replaced by A.
Protein change: p.Tyr863Asn; replaces tyrosine 863 with asparagine.
Molecular consequence: missense variant.
Genome position (GRCh38, 1-based): chr5:112,838,181, T>A. VCF-style: chr5-112838181-T-A. GRCh37 (hg19) VCF-style: chr5-112173878-T-A.
Other names: c.2587T>A, p.Tyr863Asn (NM_001127510.3, NM_001354895.2); c.2533T>A, p.Tyr845Asn (NM_001127511.3); c.2641T>A, p.Tyr881Asn (NM_001354896.2); c.2617T>A, p.Tyr873Asn (NM_001354897.2); c.2512T>A, p.Tyr838Asn (NM_001354898.2); c.2503T>A, p.Tyr835Asn (NM_001354899.2); c.2464T>A, p.Tyr822Asn (NM_001354900.2); c.2410T>A, p.Tyr804Asn (NM_001354901.2); and 5 more; short protein forms Y845N, Y863N, Y772N, Y835N, Y580N, Y881N, Y804N, Y822N.
Identifiers: ClinVar variation 469758 (VCV000469758.10), dbSNP rs1554084288, ClinGen allele CA16026995.

ClinVar aggregate classification (germline): Uncertain significance (1 of 4 stars; one submission).

Conditions:
Familial adenomatous polyposis 1 (FAP1). Also called: POLYPOSIS, ADENOMATOUS INTESTINAL; FAMILIAL ADENOMATOUS POLYPOSIS 1, ATTENUATED. Identifiers: MedGen C2713442, MONDO:0021056, OMIM 175100. Disease mechanism: loss of function.

Submission:

Labcorp Genetics (formerly Invitae), Labcorp
Classification: Uncertain significance for Familial adenomatous polyposis 1. Last evaluated: 2017-06-21. Review status: criteria provided, single submitter. Criteria: Invitae Variant Classification Sherloc (09022015). Collection method: clinical testing. Allele origin: germline.
Comment: In summary, this variant has uncertain impact on APC function. The available evidence is currently insufficient to determine its role in disease. Therefore, it has been classified as a Variant of Uncertain Significance. Algorithms developed to predict the effect of missense changes on protein structure and function do not agree on the potential impact of this missense change (SIFT: "Deleterious"; PolyPhen-2: "Possibly Damaging"; Align-GVGD: "Class C0"). This variant has not been reported in the literature in individuals with APC-related disease. This variant is not present in population databases (ExAC no frequency). This sequence change replaces tyrosine with asparagine at codon 863 of the APC protein (p.Tyr863Asn). The tyrosine residue is highly conserved and there is a large physicochemical difference between tyrosine and asparagine.